The following is an entry in ClinVar:

ClinVar aggregate classification (germline): Uncertain significance (1 of 4 stars; one submission).

Conditions:
Pfeiffer syndrome (ACS5). Also called: ACS V. Identifiers: Orphanet 710, MedGen C0220658, MONDO:0007043, OMIM 101600.
Hypogonadotropic hypogonadism 2 with or without anosmia (HH2). Also called: HYPOGONADOTROPIC HYPOGONADISM 2 WITH OR WITHOUT ANOSMIA, SUSCEPTIBILITY TO; HYPOGONADOTROPIC HYPOGONADISM 2 WITHOUT ANOSMIA, SUSCEPTIBILITY TO; FGFR1-Related GnRH Deficiency (Kallmann Syndrome 2); HYPOGONADOTROPIC HYPOGONADISM 2 WITHOUT ANOSMIA. Identifiers: Orphanet 478, MedGen C1563720, MONDO:0007844, OMIM 147950. Disease mechanism: loss of function.

Allele frequency attached by ClinVar (database versions not stated): gnomAD exomes below 0.00001; ExAC 0.00001; gnomAD 0.00001; TOPMed 0.00001.
gnomAD v4.1: 5 of 1,612,692 alleles (0.00031%); highest among the groups gnomAD compares: Admixed American, 0.005%; no homozygotes.

Submission:

Labcorp Genetics (formerly Invitae), Labcorp
Classification: Uncertain significance for Pfeiffer syndrome; Hypogonadotropic hypogonadism 2 with or without anosmia. Last evaluated: 2024-10-24. Review status: criteria provided, single submitter. Criteria: Invitae Variant Classification Sherloc (09022015). Collection method: clinical testing. Allele origin: germline.
Comment: This sequence change replaces serine, which is neutral and polar, with leucine, which is neutral and non-polar, at codon 518 of the FGFR1 protein (p.Ser518Leu). This variant is present in population databases (rs774678297, gnomAD 0.006%). This variant has not been reported in the literature in individuals affected with FGFR1-related conditions. An algorithm developed to predict the effect of missense changes on protein structure and function (PolyPhen-2) suggests that this variant is likely to be tolerated. In summary, the available evidence is currently insufficient to determine the role of this variant in disease. Therefore, it has been classified as a Variant of Uncertain Significance.

NM_023110.3(FGFR1):c.1553C>T (p.Ser518Leu)

Gene: FGFR1 (fibroblast growth factor receptor 1; minus strand). Cytogenetic location: 8p11.23.
Variant type: single nucleotide variant.
Coding change: c.1553C>T on transcript NM_023110.3 (MANE Select); coding-DNA position 1553, C replaced by T.
Protein change: p.Ser518Leu; replaces serine 518 with leucine.
Molecular consequence: missense variant.
Genome position (GRCh38, 1-based): chr8:38,417,416, G>A on the plus strand (C>T on the coding strand, the complement: FGFR1 is on the minus strand). VCF-style: chr8-38417416-G-A. GRCh37 (hg19) VCF-style: chr8-38274934-G-A.
Other names: c.1553C>T, p.Ser518Leu (NM_000604.2); c.1547C>T, p.Ser516Leu (NM_001174063.2, NM_001174065.2, NM_001354367.2 and 1 more transcripts); c.1523C>T, p.Ser508Leu (NM_001174064.2); c.1286C>T, p.Ser429Leu (NM_001174066.2, NM_023105.3); c.1646C>T, p.Ser549Leu (NM_001174067.2); c.1274C>T, p.Ser425Leu (NM_001354368.2); c.1541C>T, p.Ser514Leu (NM_001354369.2, NM_001410922.1); c.1280C>T, p.Ser427Leu (NM_001354370.2, NM_023106.3); short protein forms S429L, S425L, S427L, S514L, S508L, S518L, S516L, S549L.
Identifiers: ClinVar variation 2923013 (VCV002923013.3), dbSNP rs774678297, ClinGen allele CA4718335.